The following is an entry in ClinVar:

NM_032776.3(JMJD1C):c.5542G>A (p.Ala1848Thr)

Gene: JMJD1C (jumonji domain containing 1C; minus strand). Cytogenetic location: 10q21.3.
Variant type: single nucleotide variant.
Coding change: c.5542G>A on transcript NM_032776.3 (MANE Select); coding-DNA position 5542, G replaced by A.
Protein change: p.Ala1848Thr; replaces alanine 1848 with threonine.
Molecular consequence: missense variant. On other transcripts: non-coding transcript variant (1).
Genome position (GRCh38, 1-based): chr10:63,197,513, C>T on the plus strand (G>A on the coding strand, the complement: JMJD1C is on the minus strand). VCF-style: chr10-63197513-C-T. GRCh37 (hg19) VCF-style: chr10-64957273-C-T.
Other names: c.4996G>A, p.Ala1666Thr (NM_001282948.2, NM_001318154.2); c.4678G>A, p.Ala1560Thr (NM_001318153.2); c.5428G>A, p.Ala1810Thr (NM_001322252.2); c.4885G>A, p.Ala1629Thr (NM_001322254.2, NM_001322258.2); short protein forms A1560T, A1810T, A1848T, A1629T, A1666T.
Identifiers: ClinVar variation 1406281 (VCV001406281.6), dbSNP rs1845586240, ClinGen allele CA377030910.

ClinVar aggregate classification (germline): Uncertain significance (1 of 4 stars; one submission).

Conditions:
Early Myoclonic Encephalopathy. Identifiers: MedGen C0270855.

Allele frequency attached by ClinVar (database versions not stated): gnomAD exomes below 0.00001.
gnomAD v4.1: 4 of 1,605,706 alleles (0.00025%); highest among the groups gnomAD compares: Non-Finnish European, 0.00034%; no homozygotes.

Submission:

Labcorp Genetics (formerly Invitae), Labcorp
Classification: Uncertain significance for Early Myoclonic Encephalopathy. Last evaluated: 2022-06-05. Review status: criteria provided, single submitter. Criteria: Invitae Variant Classification Sherloc (09022015). Collection method: clinical testing. Allele origin: germline.
Comment: Algorithms developed to predict the effect of missense changes on protein structure and function are either unavailable or do not agree on the potential impact of this missense change (SIFT: "Deleterious"; PolyPhen-2: "Probably Damaging"; Align-GVGD: "Class C0"). In summary, the available evidence is currently insufficient to determine the role of this variant in disease. Therefore, it has been classified as a Variant of Uncertain Significance. ClinVar contains an entry for this variant (Variation ID: 1406281). This sequence change replaces alanine, which is neutral and non-polar, with threonine, which is neutral and polar, at codon 1848 of the JMJD1C protein (p.Ala1848Thr). This variant is not present in population databases (gnomAD no frequency). This variant has not been reported in the literature in individuals affected with JMJD1C-related conditions.